The following is an entry in ClinVar:

NM_001734.5(C1S):c.561T>A (p.Ile187=)

Gene: C1S (complement C1s; plus strand). Cytogenetic location: 12p13.31.
Variant type: single nucleotide variant.
Coding change: c.561T>A on transcript NM_001734.5 (MANE Select); coding-DNA position 561, T replaced by A.
Protein change: p.Ile187=; no amino-acid change (isoleucine 187 retained).
Molecular consequence: synonymous variant.
Genome position (GRCh38, 1-based): chr12:7,065,143, T>A. VCF-style: chr12-7065143-T-A. GRCh37 (hg19) VCF-style: chr12-7172447-T-A.
Other names: c.60T>A, p.Ile20= (NM_001346850.2); c.561T>A, p.Ile187= (NM_201442.4); c.561T>A (NM_201442.3).
Identifiers: ClinVar variation 1599334 (VCV001599334.12), dbSNP rs143509101, ClinGen allele CA6423498.

ClinVar aggregate classification (germline): Benign/Likely benign. Review status: criteria provided, multiple submitters, no conflicts (2 of 4 stars). 4 submissions from 4 submitters: Benign (1); Likely benign (2). 1 of the submissions does not count toward it. Last evaluated 2026-04-20.

Conditions:
C1S-related disorder. Also called: C1S-related condition.

Allele frequency attached by ClinVar (database versions not stated): ESP Exome Variant Server 0.00008; 1000 Genomes Project 30x 0.00203; 1000 Genomes Project 0.00240.
gnomAD v4.1: 410 of 1,614,094 alleles (0.025%); highest among the groups gnomAD compares: East Asian, 0.86%; 1 homozygote.

Submissions (4):

Women's Health and Genetics/Laboratory Corporation of America, LabCorp
Classification: Likely benign. Last evaluated: 2026-04-20. Review status: criteria provided, single submitter. Criteria: LabCorp Variant Classification Summary - May 2015. Collection method: clinical testing. Allele origin: germline.

Labcorp Genetics (formerly Invitae), Labcorp
Classification: Benign. Last evaluated: 2026-01-04. Review status: criteria provided, single submitter. Criteria: Invitae Variant Classification Sherloc (09022015). Collection method: clinical testing. Allele origin: germline.

Blueprint Genetics
Classification: Likely benign. Last evaluated: 2024-03-06. Review status: criteria provided, single submitter. Criteria: ACMG Guidelines, 2015. Collection method: clinical testing. Allele origin: germline.

PreventionGenetics, part of Exact Sciences
Classification: Benign for C1S-related condition. Last evaluated: 2019-09-10. Review status: no assertion criteria provided. Collection method: clinical testing. Allele origin: germline. Not counted in ClinVar's aggregate classification.
Comment: This variant is classified as benign based on ACMG/AMP sequence variant interpretation guidelines (Richards et al. 2015 PMID: 25741868, with internal and published modifications).